The following is an entry in ClinVar:

NM_000443.4(ABCB4):c.276C>T (p.Phe92=)

Gene: ABCB4 (ATP binding cassette subfamily B member 4; minus strand). Cytogenetic location: 7q21.12.
Variant type: single nucleotide variant.
Coding change: c.276C>T on transcript NM_000443.4 (MANE Select); coding-DNA position 276, C replaced by T.
Protein change: p.Phe92=; no amino-acid change (phenylalanine 92 retained).
Molecular consequence: synonymous variant.
Genome position (GRCh38, 1-based): chr7:87,462,768, G>A on the plus strand (C>T on the coding strand, the complement: ABCB4 is on the minus strand). VCF-style: chr7-87462768-G-A. GRCh37 (hg19) VCF-style: chr7-87092084-G-A.
Other names: c.276C>T, p.Phe92= (NM_018849.3, NM_018850.3).
Identifiers: ClinVar variation 2827238 (VCV002827238.4), dbSNP rs763433951, ClinGen allele CA4327584.

ClinVar aggregate classification (germline): Likely benign. Review status: criteria provided, multiple submitters, no conflicts (2 of 4 stars). 2 submissions from 2 submitters: Likely benign (2). Last evaluated 2026-04-14.

Conditions:
Low phospholipid associated cholelithiasis (GBD1). Also called: Gallstone cholecystitis; Gallbladder disease 1. Identifiers: Orphanet 69663, MedGen C2609268, MONDO:0010939, OMIM 600803.
Familial intrahepatic cholestasis. Identifiers: Orphanet 284385, MedGen CN296401, MONDO:0017290.

Allele frequency attached by ClinVar (database versions not stated): gnomAD exomes below 0.00001; ExAC 0.00001.
gnomAD v4.1: 2 of 1,613,960 alleles (0.00012%); highest among the groups gnomAD compares: East Asian, 0.0045%; no homozygotes.

Submissions (2):

Genomenon, Inc
Classification: Likely benign for Familial intrahepatic cholestasis; Low phospholipid associated cholelithiasis. Last evaluated: 2026-04-14. Review status: criteria provided, single submitter. Criteria: Genomenon Sequence Variant Interpretation Standards - Updated. Collection method: curation. Allele origin: germline. Affected: no.
Comment: ABCB4 c.276C>T is a synonymous variant that retains Phenylalanine at residue 92. This variant has been reported in the published literature (PMID:30079523). It is absent or not present at a significant frequency in gnomAD. This synonymous variant is not predicted to impact splicing. In conclusion, we classify ABCB4 p.Phe92= (c.276C>T) as a likely benign variant.

Labcorp Genetics (formerly Invitae), Labcorp
Classification: Likely benign. Last evaluated: 2023-01-14. Review status: criteria provided, single submitter. Criteria: Invitae Variant Classification Sherloc (09022015). Collection method: clinical testing. Allele origin: germline.

Literature cited by the submitters: PubMed 30079523 (cited by Genomenon, Inc).